The following is an entry in ClinVar:

ClinVar aggregate classification (germline): Uncertain significance (1 of 4 stars; one submission).

Conditions:
Inborn genetic diseases. Identifiers: MedGen C0950123, MeSH D030342.

Submission:

Ambry Genetics
Classification: Uncertain significance for Inborn genetic diseases. Last evaluated: 2024-12-08. Review status: criteria provided, single submitter. Criteria: Ambry Variant Classification Scheme 2023. Collection method: clinical testing. Allele origin: germline.
Comment: The p.Y320F variant (also known as c.959A>T), located in coding exon 1 of the SAMD9L gene, results from an A to T substitution at nucleotide position 959. The tyrosine at codon 320 is replaced by phenylalanine, an amino acid with highly similar properties. This amino acid position is conserved. In addition, this alteration is predicted to be tolerated by in silico analysis. Based on the available evidence, the clinical significance of this variant remains unclear.

NM_152703.5(SAMD9L):c.959A>T (p.Tyr320Phe)

Gene: SAMD9L (sterile alpha motif domain containing 9 like; minus strand). Cytogenetic location: 7q21.2.
Variant type: single nucleotide variant.
Coding change: c.959A>T on transcript NM_152703.5 (MANE Select); coding-DNA position 959, A replaced by T.
Protein change: p.Tyr320Phe; replaces tyrosine 320 with phenylalanine.
Molecular consequence: missense variant.
Genome position (GRCh38, 1-based): chr7:93,135,013, T>A on the plus strand (A>T on the coding strand, the complement: SAMD9L is on the minus strand). VCF-style: chr7-93135013-T-A. GRCh37 (hg19) VCF-style: chr7-92764326-T-A.
Other names: c.959A>T, p.Tyr320Phe (NM_001303496.3, NM_001303497.3, NM_001303498.3 and 5 more transcripts); short protein forms Y320F.
Identifiers: ClinVar variation 3437239 (VCV003437239.1).